The following is an entry in ClinVar:

ClinVar aggregate classification (germline): Uncertain significance. Review status: criteria provided, multiple submitters, no conflicts (2 of 4 stars). 2 submissions from 2 submitters: Uncertain significance (2). Last evaluated 2026-06-16.

Conditions:
PKD1L1-related disorder. Also called: PKD1L1-related condition.
Inborn genetic diseases. Identifiers: MedGen C0950123, MeSH D030342.

Allele frequency attached by ClinVar (database versions not stated): ExAC 0.00002; gnomAD 0.00003; TOPMed 0.00003; ESP Exome Variant Server 0.00008.
gnomAD v4.1: 15 of 1,613,994 alleles (0.00093%); highest among the groups gnomAD compares: Middle Eastern, 0.016%; no homozygotes.

Submissions (2):

PreventionGenetics, part of Exact Sciences
Classification: Uncertain significance for PKD1L1-related condition. Last evaluated: 2026-06-16. Review status: criteria provided, single submitter. Criteria: ACMG Guidelines, 2015. Collection method: clinical testing. Allele origin: germline.
Comment: The PKD1L1 c.2653C>G variant is predicted to result in the amino acid substitution p.Pro885Ala. To our knowledge, this variant has not been reported in the literature. This variant is reported in 0.0062% of alleles in individuals of African descent in gnomAD. At this time, the clinical significance of this variant is uncertain due to the absence of conclusive functional and genetic evidence.

Ambry Genetics
Classification: Uncertain significance for Inborn genetic diseases. Last evaluated: 2023-03-02. Review status: criteria provided, single submitter. Criteria: Ambry Variant Classification Scheme 2023. Collection method: clinical testing. Allele origin: germline.

NM_138295.5(PKD1L1):c.2653C>G (p.Pro885Ala)

Gene: PKD1L1 (polycystin 1 like 1, transient receptor potential channel interacting; minus strand). Cytogenetic location: 7p12.3.
Variant type: single nucleotide variant.
Coding change: c.2653C>G on transcript NM_138295.5 (MANE Select); coding-DNA position 2653, C replaced by G.
Protein change: p.Pro885Ala; replaces proline 885 with alanine.
Molecular consequence: missense variant.
Genome position (GRCh38, 1-based): chr7:47,890,564, G>C on the plus strand (C>G on the coding strand, the complement: PKD1L1 is on the minus strand). VCF-style: chr7-47890564-G-C. GRCh37 (hg19) VCF-style: chr7-47930162-G-C.
Other names: short protein forms P885A.
Identifiers: ClinVar variation 2462583 (VCV002462583.3), dbSNP rs375562194, ClinGen allele CA4253670.